The following is an entry in ClinVar:

NM_004304.5(ALK):c.2039C>T (p.Thr680Ile)

Gene: ALK (ALK receptor tyrosine kinase; minus strand). Cytogenetic location: 2p23.2.
Variant type: single nucleotide variant.
Coding change: c.2039C>T on transcript NM_004304.5 (MANE Select); coding-DNA position 2039, C replaced by T.
Protein change: p.Thr680Ile; replaces threonine 680 with isoleucine.
Molecular consequence: missense variant.
Genome position (GRCh38, 1-based): chr2:29,275,101, G>A on the plus strand (C>T on the coding strand, the complement: ALK is on the minus strand). VCF-style: chr2-29275101-G-A. GRCh37 (hg19) VCF-style: chr2-29497967-G-A.
Other names: c.2039C>T (LRG_488t1); short protein forms T680I.
Identifiers: ClinVar variation 133462 (VCV000133462.48), dbSNP rs35228363, ClinGen allele CA156602.
Genomic context (GRCh38, chr2:29,275,101, plus strand): 5'-TCTTCTGCCTTTTGCAACAAGAAGTTACTGTGCTCACATTTGTGAGCTGAACCCTTACCT[G>A]TAGGGTCAAAGATGGGGGTCTGTCTTGGTGAATTTTCCCCGGGTTTCAGCTCCTTGTTTG-3'
Protein context (NP_004295.2, residues 670-690): SPRQTPIFDP[Thr680Ile]VHWLFTTCGA

ClinVar aggregate classification (germline): Benign/Likely benign. Review status: criteria provided, multiple submitters, no conflicts (2 of 4 stars). 14 submissions from 14 submitters: Benign (8); Likely benign (4). 2 of the submissions do not count toward it. Last evaluated 2026-02-04.

Conditions:
Hereditary cancer-predisposing syndrome. Also called: Tumor predisposition; Hereditary neoplastic syndrome; Neoplastic Syndromes, Hereditary; Hereditary Cancer Syndrome. Identifiers: Orphanet 140162, MedGen C0027672, MeSH D009386, MONDO:0015356.
Neuroblastoma, susceptibility to, 3. Also called: ALK-Related Neuroblastic Tumor Susceptibility. Identifiers: Orphanet 635, MedGen C2751681, MONDO:0013083, OMIM 613014.

Allele frequency attached by ClinVar (database versions not stated): 1000 Genomes Project 30x 0.00953; 1000 Genomes Project 0.00998; TOPMed 0.01562; gnomAD 0.01573 and 0.01598; ExAC 0.01586; gnomAD exomes 0.01632 and 0.02407; ESP Exome Variant Server 0.02099.
gnomAD v4.1: 37,381 of 1,614,040 alleles (2.3%); highest among the groups gnomAD compares: Non-Finnish European, 2.8%; 542 homozygotes.

Submissions (26):

Labcorp Genetics (formerly Invitae), Labcorp
Classification: Benign for Neuroblastoma, susceptibility to, 3. Last evaluated: 2026-02-04. Review status: criteria provided, single submitter. Criteria: Invitae Variant Classification Sherloc (09022015). Collection method: clinical testing. Allele origin: germline.

ARUP Laboratories, Molecular Genetics and Genomics, ARUP Laboratories
Classification: Benign for Neuroblastoma, susceptibility to, 3. Last evaluated: 2025-07-23. Review status: criteria provided, single submitter. Criteria: ARUP Molecular Germline Variant Investigation Process 2024. Collection method: clinical testing. Allele origin: germline.

Mayo Clinic Laboratories, Mayo Clinic
Classification: Likely benign. Last evaluated: 2025-05-28. Review status: criteria provided, single submitter. Criteria: ACMG Guidelines, 2015. Collection method: clinical testing. Allele origin: germline. Observed: 8 variant alleles.
Comment: BS1, BP4

CeGaT Center for Human Genetics Tuebingen
Classification: Benign. Last evaluated: 2024-09-01. Review status: criteria provided, single submitter. Criteria: CeGaT Center For Human Genetics Tuebingen Variant Classification Criteria Version 2. Collection method: clinical testing. Allele origin: germline. Affected: yes. Observed: 1 variant allele.
Comment: ALK: BS1, BS2

KCCC/NGS Laboratory, Kuwait Cancer Control Center
Classification: Benign for Neuroblastoma, susceptibility to, 3. Last evaluated: 2023-07-07. Review status: criteria provided, single submitter. Criteria: ACMG Guidelines, 2015. Collection method: clinical testing. Allele origin: germline. Affected: yes.

Illumina Laboratory Services, Illumina
Classification: Benign for Neuroblastoma, susceptibility to, 3. Last evaluated: 2018-01-13. Review status: criteria provided, single submitter. Criteria: ICSL Variant Classification Criteria 13 December 2019. Collection method: clinical testing. Allele origin: germline.
Comment: This variant was observed in the ICSL laboratory as part of a predisposition screen in an ostensibly healthy population. It had not been previously curated by ICSL or reported in the Human Gene Mutation Database (HGMD: prior to June 1st, 2018), and was therefore a candidate for classification through an automated scoring system. Utilizing variant allele frequency, disease prevalence and penetrance estimates, and inheritance mode, an automated score was calculated to assess if this variant is too frequent to cause the disease. Based on the score and internal cut-off values, a variant classified as benign is not then subjected to further curation. The score for this variant resulted in a classification of benign for this disease.

Ambry Genetics
Classification: Benign for Hereditary cancer-predisposing syndrome. Last evaluated: 2016-12-14. Review status: criteria provided, single submitter. Criteria: Ambry Variant Classification Scheme 2023. Collection method: clinical testing. Allele origin: germline.

GeneDx
Classification: Benign. Last evaluated: 2016-09-20. Review status: criteria provided, single submitter. Criteria: GeneDx Variant Classification (06012015). Collection method: clinical testing. Allele origin: germline. Affected: yes.
Comment: This variant is considered likely benign or benign based on one or more of the following criteria: it is a conservative change, it occurs at a poorly conserved position in the protein, it is predicted to be benign by multiple in silico algorithms, and/or has population frequency not consistent with disease.

Women's Health and Genetics/Laboratory Corporation of America, LabCorp
Classification: Likely benign. Last evaluated: 2016-08-24. Review status: criteria provided, single submitter. Criteria: LabCorp Variant Classification Summary - May 2015. Collection method: clinical testing. Allele origin: germline.
Comment: Variant summary: The ALK c.2039C>T (p.Thr680Ile) variant involves the alteration of a conserved nucleotide. 2/3 in silico tools predict a damaging outcome for this variant (SNPs&GO not captured due to low reliability index). This variant was found in 1947/122770 control chromosomes (22 homozygotes) at a frequency of 0.0158589, which is approximately 38061 times the estimated maximal expected allele frequency of a pathogenic ALK variant (0.0000004) based on the disease prevalence of neuroblastoma (susceptibility phenotype), suggesting this variant is likely a benign polymorphism. This variant has been reported in patients with breast cancer and prostate cancer as a germline variant and in patients with hemangioblastoma as a somatic variant; however without strong evidence for pathogenicity (Haiman_2013, Harismendy _2013, Shankar_2014). In a large case-control study that included patients with prostate cancer from multiple ethnicities (African American, Native Hawaiian, Japanese American, Latino and European American), it did not confer an increased risk for prostate cancer in the overall population (Haiman_2013). However, in African American subpopulation, it conferred an elevated risk (odd ratio: 3.104; p-value 0.00025), suggesting that it may confer an ethnicity-specific risk. More reproducible case-control studies are required to confirm this risk association. In ClinVar, one clinical lab has classified it as uncertain significance. Taken together, this variant is currently classified as likely benign.

Clinical Genetics DNA and cytogenetics Diagnostics Lab, Erasmus MC, Erasmus Medical Center
Classification: Likely benign for Neuroblastoma, susceptibility to, 3. Last evaluated: 2015-09-21. Review status: criteria provided, single submitter. Criteria: ACGS Guidelines, 2013. Collection method: clinical testing. Allele origin: germline. Affected: yes. Study: VKGL Data-share Consensus.

Breakthrough Genomics
Classification: Likely benign. Review status: criteria provided, single submitter. Criteria: ACMG Guidelines, 2015. Collection method: not provided. Allele origin: germline. Inheritance: Unknown mechanism. Affected: yes.

PreventionGenetics, part of Exact Sciences
Classification: Benign. Review status: criteria provided, single submitter. Criteria: ACMG Guidelines, 2015. Collection method: clinical testing. Allele origin: germline.

Genome Diagnostics Laboratory, Amsterdam University Medical Center
Classification: Benign for Neuroblastoma, susceptibility to, 3. Last evaluated: 2016-01-22. Review status: no assertion criteria provided. Criteria: ACGS Guidelines, 2013. Collection method: clinical testing. Allele origin: germline. Affected: yes. Study: VKGL Data-share Consensus. Not counted in ClinVar's aggregate classification.

ITMI
No classification provided. Condition: AllHighlyPenetrant. Last evaluated: 2013-09-19. Review status: no classification provided. Collection method: reference population. Allele origin: germline. Not counted in ClinVar's aggregate classification.
Comment: Please see associated publication for description of ethnicities

Dr. Peter K. Rogan Lab, Western University
No classification provided (evidence only). Condition: Clear cell carcinoma of kidney. Review status: no classification provided. Collection method: in vitro. Allele origin: not applicable. Functional consequence: retained intron. Not counted in ClinVar's aggregate classification.

Dr. Peter K. Rogan Lab, Western University
No classification provided (evidence only). Condition: Melanoma. Review status: no classification provided. Collection method: in vitro. Allele origin: not applicable. Functional consequence: retained intron. Not counted in ClinVar's aggregate classification.

Dr. Peter K. Rogan Lab, Western University
No classification provided (evidence only). Condition: Melanoma. Review status: no classification provided. Collection method: in vitro. Allele origin: not applicable. Functional consequence: retained intron. Not counted in ClinVar's aggregate classification.

Dr. Peter K. Rogan Lab, Western University
No classification provided (evidence only). Condition: Melanoma. Review status: no classification provided. Collection method: in vitro. Allele origin: not applicable. Functional consequence: retained intron. Not counted in ClinVar's aggregate classification.

Dr. Peter K. Rogan Lab, Western University
No classification provided (evidence only). Condition: Acute myeloid leukemia. Review status: no classification provided. Collection method: in vitro. Allele origin: not applicable. Functional consequence: retained intron. Not counted in ClinVar's aggregate classification.

Dr. Peter K. Rogan Lab, Western University
No classification provided (evidence only). Condition: Thyroid cancer, nonmedullary, 1. Review status: no classification provided. Collection method: in vitro. Allele origin: not applicable. Functional consequence: retained intron. Not counted in ClinVar's aggregate classification.

Dr. Peter K. Rogan Lab, Western University
No classification provided (evidence only). Condition: Thyroid cancer, nonmedullary, 1. Review status: no classification provided. Collection method: in vitro. Allele origin: not applicable. Functional consequence: retained intron. Not counted in ClinVar's aggregate classification.

Dr. Peter K. Rogan Lab, Western University
No classification provided (evidence only). Condition: Thyroid cancer, nonmedullary, 1. Review status: no classification provided. Collection method: in vitro. Allele origin: not applicable. Functional consequence: retained intron. Not counted in ClinVar's aggregate classification.

Dr. Peter K. Rogan Lab, Western University
No classification provided (evidence only). Condition: Thyroid cancer, nonmedullary, 1. Review status: no classification provided. Collection method: in vitro. Allele origin: not applicable. Functional consequence: retained intron. Not counted in ClinVar's aggregate classification.

Dr. Peter K. Rogan Lab, Western University
No classification provided (evidence only). Condition: Uterine corpus endometrial carcinoma. Review status: no classification provided. Collection method: in vitro. Allele origin: not applicable. Functional consequence: retained intron. Not counted in ClinVar's aggregate classification.

Dr. Peter K. Rogan Lab, Western University
No classification provided (evidence only). Condition: Ovarian serous cystadenocarcinoma. Review status: no classification provided. Collection method: in vitro. Allele origin: not applicable. Functional consequence: retained intron. Not counted in ClinVar's aggregate classification.

Dr. Peter K. Rogan Lab, Western University
No classification provided (evidence only). Condition: Uveal melanoma. Review status: no classification provided. Collection method: in vitro. Allele origin: not applicable. Functional consequence: retained intron. Not counted in ClinVar's aggregate classification.

Literature cited by the submitters: PubMed 25589003 (cited by Women's Health and Genetics/Laboratory Corporation of America, LabCorp); PubMed 24326041 (cited by Women's Health and Genetics/Laboratory Corporation of America, LabCorp); PubMed 23555315 (cited by Women's Health and Genetics/Laboratory Corporation of America, LabCorp); PubMed 24728327 (cited by Women's Health and Genetics/Laboratory Corporation of America, LabCorp and ITMI).